The following is an entry in ClinVar:

ClinVar aggregate classification (germline): Uncertain significance (1 of 4 stars; one submission).

Conditions:
ANKRD1-related dilated cardiomyopathy. Identifiers: MedGen CN119551.

Submission:

Labcorp Genetics (formerly Invitae), Labcorp
Classification: Uncertain significance for ANKRD1-related dilated cardiomyopathy. Last evaluated: 2022-08-26. Review status: criteria provided, single submitter. Criteria: Invitae Variant Classification Sherloc (09022015). Collection method: clinical testing. Allele origin: germline.
Comment: In summary, the available evidence is currently insufficient to determine the role of this variant in disease. Therefore, it has been classified as a Variant of Uncertain Significance. ClinVar contains an entry for this variant (Variation ID: 543935). This variant has not been reported in the literature in individuals affected with ANKRD1-related conditions. This variant is present in population databases (no rsID available, gnomAD 0.004%). This sequence change creates a premature translational stop signal (p.Leu202*) in the ANKRD1 gene. It is expected to result in an absent or disrupted protein product. However, the current clinical and genetic evidence is not sufficient to establish whether loss-of-function variants in ANKRD1 cause disease.

NM_014391.3(ANKRD1):c.605del (p.Val201_Leu202insTer)

Gene: ANKRD1 (ankyrin repeat domain 1; minus strand). Cytogenetic location: 10q23.31.
Variant type: Deletion.
Coding change: c.605del on transcript NM_014391.3 (MANE Select); coding-DNA position 605, one base deleted (T; older notation c.605delT).
Protein change: p.Val201_Leu202insTer.
Molecular consequence: nonsense.
Genome position (GRCh38, 1-based): chr10:90,916,217, A deleted on the plus strand (T on the coding strand, the reverse complement: ANKRD1 is on the minus strand); the first of 4 consecutive A bases (chr10:90,916,217-90,916,220); deleting any one gives the same sequence. VCF-style (leftmost placement, unchanged base first): chr10-90916216-TA-T. GRCh37 (hg19) VCF-style: chr10-92675973-TA-T.
Other names: c.605delT (NM_014391.2).
Identifiers: ClinVar variation 543935 (VCV000543935.6), dbSNP rs1226440621, ClinGen allele CA594973602.